The following is an entry in ClinVar:

ClinVar aggregate classification (germline): Uncertain significance (1 of 4 stars; one submission).

Allele frequency attached by ClinVar (database versions not stated): gnomAD exomes 0.00001; ExAC 0.00002.

Submission:

GeneDx
Classification: Uncertain significance. Last evaluated: 2023-03-27. Review status: criteria provided, single submitter. Criteria: GeneDx Variant Classification Process June 2021. Collection method: clinical testing. Allele origin: germline. Affected: yes.
Comment: In silico analysis supports that this missense variant has a deleterious effect on protein structure/function; Has not been previously published as pathogenic or benign to our knowledge

NM_000875.5(IGF1R):c.3899T>C (p.Met1300Thr)

Gene: IGF1R (insulin like growth factor 1 receptor; plus strand). Cytogenetic location: 15q26.3.
Variant type: single nucleotide variant.
Coding change: c.3899T>C on transcript NM_000875.5 (MANE Select); coding-DNA position 3899, T replaced by C.
Protein change: p.Met1300Thr; replaces methionine 1300 with threonine.
Molecular consequence: missense variant.
Genome position (GRCh38, 1-based): chr15:98,957,237, T>C. VCF-style: chr15-98957237-T-C. GRCh37 (hg19) VCF-style: chr15-99500466-T-C.
Other names: c.3896T>C, p.Met1299Thr (NM_001291858.2); short protein forms M1299T, M1300T.
Identifiers: ClinVar variation 2581968 (VCV002581968.1), dbSNP rs752561182, ClinGen allele CA7752821.